The following is an entry in ClinVar:

ClinVar aggregate classification (germline): Uncertain significance (1 of 4 stars; one submission).

gnomAD v4.1: 1 of 1,613,628 alleles (0.000062%); highest among the groups gnomAD compares: Non-Finnish European, 0.000085%; no homozygotes.

Submission:

Ambry Genetics
Classification: Uncertain significance. Last evaluated: 2026-03-17. Review status: criteria provided, single submitter. Criteria: Ambry Variant Classification Scheme 2023. Collection method: clinical testing. Allele origin: germline.
Comment: The p.P239L variant (also known as c.716C>T), located in coding exon 3 of the PALLD gene, results from a C to T substitution at nucleotide position 716. The proline at codon 239 is replaced by leucine, an amino acid with similar properties. This amino acid position is conserved. In addition, the in silico prediction for this alteration is inconclusive. Based on the available evidence, the clinical significance of this variant remains unclear.

NM_001166108.2(PALLD):c.2177C>T (p.Pro726Leu)

Genes: CBR4 (carbonyl reductase 4; minus strand), PALLD (palladin, cytoskeletal associated protein; plus strand). Cytogenetic location: 4q32.3.
Variant type: single nucleotide variant.
Coding change: c.2177C>T on transcript NM_001166108.2 (MANE Select); coding-DNA position 2177, C replaced by T.
Protein change: p.Pro726Leu; replaces proline 726 with leucine.
Molecular consequence: missense variant.
Genome position (GRCh38, 1-based): chr4:168,894,655, C>T. VCF-style: chr4-168894655-C-T. GRCh37 (hg19) VCF-style: chr4-169815806-C-T.
Other names: c.1031C>T, p.Pro344Leu (NM_001166109.2); c.716C>T, p.Pro239Leu (NM_001166110.2); c.56C>T, p.Pro19Leu (NM_001367567.1, NM_001367568.1, NM_001367569.1 and 1 more transcripts); c.2177C>T, p.Pro726Leu (NM_016081.4); short protein forms P19L, P239L, P344L, P726L.
Identifiers: ClinVar variation 4861522 (VCV004861522.1).